The following is an entry in ClinVar:

ClinVar aggregate classification (germline): Uncertain significance. Review status: criteria provided, multiple submitters, no conflicts (2 of 4 stars). 2 submissions from 2 submitters: Uncertain significance (2). Last evaluated 2024-06-07.

Conditions:
Arginine:glycine amidinotransferase deficiency (CCDS3). Also called: AGAT deficiency; L-Arginine:Glycine Amidinotransferase (AGAT) Deficiency; Cerebral creatine deficiency syndrome 3; L-Arginine:Glycine Amidinotransferase Deficiency; Creatine deficiency syndrome due to AGAT deficiency; GATM deficiency. Identifiers: Orphanet 35704, MedGen C2675179, MONDO:0012996, OMIM 612718.
Fanconi renotubular syndrome 1. Also called: FRTS1; Toni-Debre-Fanconi syndrome; Neonatal De Toni-Debre-Fanconi syndrome; De Toni-Fanconi syndrome; LUDER-SHELDON SYNDROME. Identifiers: MedGen C4551503, MONDO:0024525, OMIM 134600.

Allele frequency attached by ClinVar (database versions not stated): gnomAD exomes below 0.00001.
gnomAD v4.1: 2 of 1,614,184 alleles (0.00012%); highest among the groups gnomAD compares: African/African-American, 0.0027%; no homozygotes.

Submissions (2):

Fulgent Genetics
Classification: Uncertain significance for Fanconi renotubular syndrome 1; Arginine:glycine amidinotransferase deficiency. Last evaluated: 2024-06-07. Review status: criteria provided, single submitter. Criteria: ACMG Guidelines, 2015. Collection method: clinical testing. Allele origin: germline.

GeneDx
Classification: Uncertain significance. Last evaluated: 2014-06-13. Review status: criteria provided, single submitter. Criteria: GeneDx Variant Classification (06012015). Collection method: clinical testing. Allele origin: germline. Affected: yes.
Comment: p.Ser49Pro (TCC>CCC): c.145 T>C in exon 2 of the GATM gene (NM_001482.2). The S49P variant has not been published as a mutation, nor has it been reported as a benign polymorphism to our knowledge. It was not observed in approximately 6,500 individuals of European and African American ancestry in the NHLBI Exome Sequencing Project, indicating it is not a common benign variant in these populations. The S49P variant is a non-conservative amino acid substitution, which is likely to impact secondary protein structure as these residues differ in polarity, charge, size and/or other properties. This substitution occurs at a position that is conserved in mammals. However, in silico analysis predicts the S49P variant likely does not alter the protein structure/function. Therefore, based on the currently available information, it is unclear whether this variant is a pathogenic mutation or a rare benign variant. The variant is found in EPILEPSY panel(s).

NM_001482.3(GATM):c.145T>C (p.Ser49Pro)

Gene: GATM (glycine amidinotransferase; minus strand). Cytogenetic location: 15q21.1.
Variant type: single nucleotide variant.
Coding change: c.145T>C on transcript NM_001482.3 (MANE Select); coding-DNA position 145, T replaced by C.
Protein change: p.Ser49Pro; replaces serine 49 with proline.
Molecular consequence: missense variant. On other transcripts: 5 prime UTR variant (1).
Genome position (GRCh38, 1-based): chr15:45,376,744, A>G on the plus strand (T>C on the coding strand, the complement: GATM is on the minus strand). VCF-style: chr15-45376744-A-G. GRCh37 (hg19) VCF-style: chr15-45668942-A-G.
Other names: p.S49P:TCC>CCC; c.-243T>C (NM_001321015.2); short protein forms S49P.
Identifiers: ClinVar variation 205620 (VCV000205620.3), dbSNP rs796052537, ClinGen allele CA314882.